The following is an entry in ClinVar:

ClinVar aggregate classification (germline): Uncertain significance (1 of 4 stars; one submission).

Conditions:
Wilson disease (WND). Also called: Wilson's disease. Identifiers: Orphanet 905, MedGen C0019202, MONDO:0010200, OMIM 277900. Disease mechanism: loss of function.

Allele frequency attached by ClinVar (database versions not stated): ExAC 0.00001.
gnomAD v4.1: 3 of 1,614,014 alleles (0.00019%); highest among the groups gnomAD compares: Non-Finnish European, 0.00025%; no homozygotes.

Submission:

Labcorp Genetics (formerly Invitae), Labcorp
Classification: Uncertain significance for Wilson disease. Last evaluated: 2021-09-02. Review status: criteria provided, single submitter. Criteria: Invitae Variant Classification Sherloc (09022015). Collection method: clinical testing. Allele origin: germline.
Comment: This sequence change replaces isoleucine with methionine at codon 929 of the ATP7B protein (p.Ile929Met). The isoleucine residue is moderately conserved and there is a small physicochemical difference between isoleucine and methionine. This variant is present in population databases (rs773527867, ExAC 0.002%). This variant has not been reported in the literature in individuals affected with ATP7B-related conditions. Algorithms developed to predict the effect of missense changes on protein structure and function are either unavailable or do not agree on the potential impact of this missense change (SIFT: "Deleterious"; PolyPhen-2: "Probably Damaging"; Align-GVGD: "Class C0"). In summary, the available evidence is currently insufficient to determine the role of this variant in disease. Therefore, it has been classified as a Variant of Uncertain Significance.

NM_000053.4(ATP7B):c.2787C>G (p.Ile929Met)

Gene: ATP7B (ATPase copper transporting beta; minus strand). Cytogenetic location: 13q14.3.
Variant type: single nucleotide variant.
Coding change: c.2787C>G on transcript NM_000053.4 (MANE Select); coding-DNA position 2787, C replaced by G.
Protein change: p.Ile929Met; replaces isoleucine 929 with methionine.
Molecular consequence: missense variant. On other transcripts: intron variant (1).
Genome position (GRCh38, 1-based): chr13:51,949,740, G>C on the plus strand (C>G on the coding strand, the complement: ATP7B is on the minus strand). VCF-style: chr13-51949740-G-C. GRCh37 (hg19) VCF-style: chr13-52523876-G-C.
Other names: c.2454C>G, p.Ile818Met (NM_001243182.2); c.2553C>G, p.Ile851Met (NM_001330578.2); c.2535C>G, p.Ile845Met (NM_001330579.2); c.2244+267C>G (NM_001005918.3); short protein forms I851M, I929M, I818M, I845M.
Identifiers: ClinVar variation 650413 (VCV000650413.6), dbSNP rs773527867, ClinGen allele CA6988910.